The following is an entry in ClinVar:

ClinVar aggregate classification (germline): Uncertain significance (1 of 4 stars; one submission).

Conditions:
Radio-Tartaglia syndrome. Identifiers: Orphanet 662234, MedGen C5543339, MONDO:0859143, OMIM 619312.

Submission:

University of Washington Department of Laboratory Medicine, University of Washington
Classification: Uncertain significance for Radio-Tartaglia syndrome. Last evaluated: 2021-07-14. Review status: criteria provided, single submitter. Criteria: ACMG Guidelines, 2015. Collection method: clinical testing. Allele origin: unknown. Affected: yes.
Comment: The p.Pro120Arg variant in the SPEN gene has not been previously reported in association with disease. This variant was absent from large population databases, including the Genome Aggregation Database. In silico tools predict that p.Pro120Arg variant in SPEN does not impact protein function; however, these predictions have not been tested directly. Using ACMG guidelines, this variant was classified as a variant of uncertain significance (ACMG evidence codes used: PM2_supporting, BP4).

NM_015001.3(SPEN):c.359C>G (p.Pro120Arg)

Gene: SPEN (spen family transcriptional repressor; plus strand). Cytogenetic location: 1p36.21.
Variant type: single nucleotide variant.
Coding change: c.359C>G on transcript NM_015001.3 (MANE Select); coding-DNA position 359, C replaced by G.
Protein change: p.Pro120Arg; replaces proline 120 with arginine.
Molecular consequence: missense variant.
Genome position (GRCh38, 1-based): chr1:15,873,091, C>G. VCF-style: chr1-15873091-C-G. GRCh37 (hg19) VCF-style: chr1-16199586-C-G.
Other names: c.359C>G (NM_015001.2); short protein forms P120R.
Identifiers: ClinVar variation 3777094 (VCV003777094.1).